The following is an entry in ClinVar:

NM_057176.3(BSND):c.272+33T>G

Gene: BSND (barttin CLCNK type accessory subunit beta; plus strand). Cytogenetic location: 1p32.3.
Variant type: single nucleotide variant.
Coding change: c.272+33T>G on transcript NM_057176.3 (MANE Select); 33 bases into the intron after coding-DNA position 272, T replaced by G.
Molecular consequence: intron variant.
Genome position (GRCh38, 1-based): chr1:55,005,149, T>G. VCF-style: chr1-55005149-T-G. GRCh37 (hg19) VCF-style: chr1-55470822-T-G.
Identifiers: ClinVar variation 683035 (VCV000683035.2), dbSNP rs41297879, ClinGen allele CA871280.

ClinVar aggregate classification (germline): Benign. Review status: criteria provided, multiple submitters, no conflicts (2 of 4 stars). 2 submissions from 2 submitters: Benign (2). Last evaluated 2018-06-16.

Allele frequency attached by ClinVar (database versions not stated): gnomAD exomes 0.02216 and 0.03604; ExAC 0.03815; ESP Exome Variant Server 0.04521; gnomAD 0.04634 and 0.04761; TOPMed 0.05134; 1000 Genomes Project 30x 0.06933; 1000 Genomes Project 0.07169.
gnomAD v4.1: 40,177 of 1,599,410 alleles (2.5%); highest among the groups gnomAD compares: African/African-American, 11%; 1,216 homozygotes.

Submissions (2):

GeneDx
Classification: Benign. Last evaluated: 2018-06-16. Review status: criteria provided, single submitter. Criteria: GeneDx Variant Classification (06012015). Collection method: clinical testing. Allele origin: germline. Affected: yes.
Comment: This variant is considered likely benign or benign based on one or more of the following criteria: it is a conservative change, it occurs at a poorly conserved position in the protein, it is predicted to be benign by multiple in silico algorithms, and/or has population frequency not consistent with disease.

Breakthrough Genomics
Classification: Benign. Review status: criteria provided, single submitter. Criteria: ACMG Guidelines, 2015. Collection method: not provided. Allele origin: germline. Inheritance: Autosomal recessive inheritance. Affected: yes.